The following is an entry in ClinVar:

NM_173470.3(MMGT1):c.361T>C (p.Leu121=)

Gene: MMGT1 (membrane magnesium transporter 1; minus strand). Cytogenetic location: Xq26.3.
Variant type: single nucleotide variant.
Coding change: c.361T>C on transcript NM_173470.3 (MANE Select); coding-DNA position 361, T replaced by C.
Protein change: p.Leu121=; no amino-acid change (leucine 121 retained).
Molecular consequence: synonymous variant.
Genome position (GRCh38, 1-based): chrX:135,965,059, A>G on the plus strand (T>C on the coding strand, the complement: MMGT1 is on the minus strand). VCF-style: chrX-135965059-A-G. GRCh37 (hg19) VCF-style: chrX-135047218-A-G.
Other names: c.361T>C, p.Leu121= (NM_001330000.2).
Identifiers: ClinVar variation 2661494 (VCV002661494.24), dbSNP rs1556611806, ClinGen allele CA518489060.

ClinVar aggregate classification (germline): Likely benign (1 of 4 stars; one submission).

Allele frequency attached by ClinVar (database versions not stated): gnomAD exomes below 0.00001; gnomAD 0.00002.
gnomAD v4.1: 5 of 1,207,816 alleles (0.00041%); highest among the groups gnomAD compares: South Asian, 0.0035%; no homozygotes.

Submission:

CeGaT Center for Human Genetics Tuebingen
Classification: Likely benign. Last evaluated: 2022-09-01. Review status: criteria provided, single submitter. Criteria: CeGaT Center For Human Genetics Tuebingen Variant Classification Criteria Version 2. Collection method: clinical testing. Allele origin: germline. Affected: yes. Observed: 1 variant allele.
Comment: MMGT1: BP4, BP7